The following is an entry in ClinVar:

NM_002335.4(LRP5):c.640G>A (p.Ala214Thr)

Gene: LRP5 (LDL receptor related protein 5; plus strand). Cytogenetic location: 11q13.2.
Variant type: single nucleotide variant.
Coding change: c.640G>A on transcript NM_002335.4 (MANE Select); coding-DNA position 640, G replaced by A.
Protein change: p.Ala214Thr; replaces alanine 214 with threonine.
Molecular consequence: missense variant. On other transcripts: 5 prime UTR variant (1).
Genome position (GRCh38, 1-based): chr11:68,357,801, G>A. VCF-style: chr11-68357801-G-A. GRCh37 (hg19) VCF-style: chr11-68125269-G-A.
Other names: c.-1126G>A (NM_001291902.2); short protein forms A214T.
Identifiers: ClinVar variation 6283 (VCV000006283.6), dbSNP rs121908671, ClinGen allele CA118098.

ClinVar aggregate classification (germline): Pathogenic. Review status: criteria provided, multiple submitters, no conflicts (2 of 4 stars). 4 submissions from 4 submitters: Pathogenic (2). 2 of the submissions do not count toward it. Last evaluated 2025-05-23.

Conditions:
Autosomal dominant osteopetrosis 1 (OPTA1). Also called: OSTEOPETROSIS, AUTOSOMAL DOMINANT, TYPE I. Identifiers: Orphanet 2783, MedGen C1843330, MONDO:0011877, OMIM 607634.
Worth disease. Also called: ENDOSTEAL HYPEROSTOSIS, AUTOSOMAL DOMINANT; Autosomal dominant osteosclerosis, Worth type; OSTEOSCLEROSIS, AUTOSOMAL DOMINANT. Identifiers: Orphanet 2790, MedGen C0432273, MONDO:0007764, OMIM 144750.

Submissions (4):

Labcorp Genetics (formerly Invitae), Labcorp
Classification: Pathogenic. Last evaluated: 2025-05-23. Review status: criteria provided, single submitter. Criteria: Invitae Variant Classification Sherloc (09022015). Collection method: clinical testing. Allele origin: germline.
Comment: This sequence change replaces alanine, which is neutral and non-polar, with threonine, which is neutral and polar, at codon 214 of the LRP5 protein (p.Ala214Thr). This variant is not present in population databases (gnomAD no frequency). This missense change has been observed in individual(s) with autosomal dominant osteosclerosis (PMID: 15940380). It has also been observed to segregate with disease in related individuals. ClinVar contains an entry for this variant (Variation ID: 6283). Invitae Evidence Modeling of protein sequence and biophysical properties (such as structural, functional, and spatial information, amino acid conservation, physicochemical variation, residue mobility, and thermodynamic stability) indicates that this missense variant is expected to disrupt LRP5 protein function with a positive predictive value of 95%. Experimental studies are conflicting or provide insufficient evidence to determine the effect of this variant on LRP5 function (PMID: 17052975, 18521528). For these reasons, this variant has been classified as Pathogenic.

Center for Genomic Medicine, Rigshospitalet, Copenhagen University Hospital
Classification: Pathogenic. Last evaluated: 2025-03-04. Review status: criteria provided, single submitter. Criteria: ACMG Guidelines, 2015. Collection method: clinical testing. Allele origin: germline.

Bioscientia Institut fuer Medizinische Diagnostik GmbH, Sonic Healthcare
Classification: Pathogenic for Autosomal dominant osteopetrosis 1. Last evaluated: 2018-12-12. Review status: no assertion criteria provided. Collection method: clinical testing. Allele origin: germline. Affected: yes. Not counted in ClinVar's aggregate classification.

OMIM
Classification: Pathogenic for ENDOSTEAL HYPEROSTOSIS, AUTOSOMAL DOMINANT. Last evaluated: 2003-03-01. Review status: no assertion criteria provided. Collection method: literature only. Allele origin: germline. Not counted in ClinVar's aggregate classification.

Literature cited by the submitters: PubMed 15940380 (cited by Labcorp Genetics (formerly Invitae), Labcorp and Center for Genomic Medicine, Rigshospitalet, Copenhagen University Hospital); PubMed 17052975 (cited by Labcorp Genetics (formerly Invitae), Labcorp and Center for Genomic Medicine, Rigshospitalet, Copenhagen University Hospital); PubMed 18521528 (cited by Labcorp Genetics (formerly Invitae), Labcorp and Center for Genomic Medicine, Rigshospitalet, Copenhagen University Hospital); PubMed 12579474 (cited by Center for Genomic Medicine, Rigshospitalet, Copenhagen University Hospital and OMIM); PubMed 1002767 (cited by OMIM).